The following is an entry in ClinVar:

ClinVar aggregate classification (germline): Uncertain significance. Review status: criteria provided, multiple submitters, no conflicts (2 of 4 stars). 2 submissions from 2 submitters: Uncertain significance (2). Last evaluated 2026-03-27.

Conditions:
Cardiovascular phenotype. Identifiers: MedGen CN230736.

gnomAD v4.1: 13 of 1,614,048 alleles (0.00081%); highest among the groups gnomAD compares: South Asian, 0.0011%; no homozygotes.

Submissions (2):

Molecular Diagnostic Laboratory for Inherited Cardiovascular Disease, Montreal Heart Institute
Classification: Uncertain significance for Cardiovascular phenotype. Last evaluated: 2026-03-27. Review status: criteria provided, single submitter. Criteria: ACMG Guidelines, 2015. Collection method: clinical testing. Allele origin: germline. Affected: yes.
Comment: PVS1_mod, PM2

Blueprint Genetics
Classification: Uncertain significance. Last evaluated: 2024-05-31. Review status: criteria provided, single submitter. Criteria: ACMG Guidelines, 2015. Collection method: clinical testing. Allele origin: germline.

NM_001281740.3(FHOD3):c.4738C>T (p.Arg1580Ter)

Gene: FHOD3 (formin homology 2 domain containing 3; plus strand). Cytogenetic location: 18q12.2.
Variant type: single nucleotide variant.
Coding change: c.4738C>T on transcript NM_001281740.3 (MANE Select); coding-DNA position 4738, C replaced by T.
Protein change: p.Arg1580Ter; replaces arginine 1580 with a stop codon.
Molecular consequence: nonsense.
Genome position (GRCh38, 1-based): chr18:36,769,378, C>T. VCF-style: chr18-36769378-C-T. GRCh37 (hg19) VCF-style: chr18-34349341-C-T.
Other names: c.4138C>T, p.Arg1380Ter (NM_001281739.3); c.4189C>T, p.Arg1397Ter (NM_025135.5); short protein forms R1380*, R1397*, R1580*.
Identifiers: ClinVar variation 4820458 (VCV004820458.2), dbSNP rs1161988816.